The following is an entry in ClinVar:

NM_005902.4(SMAD3):c.994T>C (p.Cys332Arg)

Gene: SMAD3 (SMAD family member 3; plus strand). Cytogenetic location: 15q22.33.
Variant type: single nucleotide variant.
Coding change: c.994T>C on transcript NM_005902.4 (MANE Select); coding-DNA position 994, T replaced by C.
Protein change: p.Cys332Arg; replaces cysteine 332 with arginine.
Molecular consequence: missense variant.
Genome position (GRCh38, 1-based): chr15:67,184,849, T>C. VCF-style: chr15-67184849-T-C. GRCh37 (hg19) VCF-style: chr15-67477187-T-C.
Other names: c.679T>C, p.Cys227Arg (NM_001145102.2, NM_001407016.1); c.862T>C, p.Cys288Arg (NM_001145103.2, NM_001407012.1); c.409T>C, p.Cys137Arg (NM_001145104.2, NM_001407017.1); c.994T>C, p.Cys332Arg (NM_001407011.1); c.847T>C, p.Cys283Arg (NM_001407014.1); c.547T>C, p.Cys183Arg (NM_001407015.1); short protein forms C137R, C227R, C332R, C283R, C183R, C288R.
Identifiers: ClinVar variation 1768708 (VCV001768708.2), dbSNP rs2505300958, ClinGen allele CA392957310.

ClinVar aggregate classification (germline): Uncertain significance (1 of 4 stars; one submission).

Conditions:
Familial thoracic aortic aneurysm and aortic dissection (TAAD). Also called: Thoracic aortic aneurysms and dissections. Identifiers: Orphanet 91387, MedGen C4707243, MONDO:0019625.

Submission:

Ambry Genetics
Classification: Uncertain significance for Familial thoracic aortic aneurysm and aortic dissection. Last evaluated: 2022-07-06. Review status: criteria provided, single submitter. Criteria: Ambry Variant Classification Scheme 2023. Collection method: clinical testing. Allele origin: germline.
Comment: The p.C332R variant (also known as c.994T>C), located in coding exon 7 of the SMAD3 gene, results from a T to C substitution at nucleotide position 994. The cysteine at codon 332 is replaced by arginine, an amino acid with highly dissimilar properties. This amino acid position is conserved. In addition, this alteration is predicted to be deleterious by in silico analysis. Since supporting evidence is limited at this time, the clinical significance of this alteration remains unclear.